The following is an entry in ClinVar:

NM_002691.4(POLD1):c.1613T>G (p.Val538Gly)

Gene: POLD1 (DNA polymerase delta 1, catalytic subunit; plus strand). Cytogenetic location: 19q13.33.
Variant type: single nucleotide variant.
Coding change: c.1613T>G on transcript NM_002691.4 (MANE Select); coding-DNA position 1613, T replaced by G.
Protein change: p.Val538Gly; replaces valine 538 with glycine.
Molecular consequence: missense variant. On other transcripts: non-coding transcript variant (1).
Genome position (GRCh38, 1-based): chr19:50,407,101, T>G. VCF-style: chr19-50407101-T-G. GRCh37 (hg19) VCF-style: chr19-50910358-T-G.
Other names: c.1613T>G, p.Val538Gly (NM_001256849.1, NM_001308632.1); short protein forms V538G.
Identifiers: ClinVar variation 1776446 (VCV001776446.2), dbSNP rs1601219611, ClinGen allele CA406980975.

ClinVar aggregate classification (germline): Uncertain significance (1 of 4 stars; one submission).

Conditions:
Hereditary cancer-predisposing syndrome. Also called: Neoplastic Syndromes, Hereditary; Tumor predisposition; Hereditary Cancer Syndrome; Hereditary neoplastic syndrome. Identifiers: Orphanet 140162, MedGen C0027672, MeSH D009386, MONDO:0015356.

Submission:

Ambry Genetics
Classification: Uncertain significance for Hereditary cancer-predisposing syndrome. Last evaluated: 2022-03-01. Review status: criteria provided, single submitter. Criteria: Ambry Variant Classification Scheme 2023. Collection method: clinical testing. Allele origin: germline.
Comment: The p.V538G variant (also known as c.1613T>G), located in coding exon 12 of the POLD1 gene, results from a T to G substitution at nucleotide position 1613. The valine at codon 538 is replaced by glycine, an amino acid with dissimilar properties. This amino acid position is conserved. In addition, the in silico prediction for this alteration is inconclusive. Since supporting evidence is limited at this time, the clinical significance of this alteration remains unclear.